The following is an entry in ClinVar:

NM_025137.4(SPG11):c.1689T>G (p.Ser563=)

Gene: SPG11 (SPG11 vesicle trafficking associated, spatacsin; minus strand). Cytogenetic location: 15q21.1.
Variant type: single nucleotide variant.
Coding change: c.1689T>G on transcript NM_025137.4 (MANE Select); coding-DNA position 1689, T replaced by G.
Protein change: p.Ser563=; no amino-acid change (serine 563 retained).
Molecular consequence: synonymous variant.
Genome position (GRCh38, 1-based): chr15:44,633,551, A>C on the plus strand (T>G on the coding strand, the complement: SPG11 is on the minus strand). VCF-style: chr15-44633551-A-C. GRCh37 (hg19) VCF-style: chr15-44925749-A-C.
Other names: c.1689T>G, p.Ser563= (NM_001160227.2).
Identifiers: ClinVar variation 700165 (VCV000700165.12), dbSNP rs748537508, ClinGen allele CA7535475.
Genomic context (GRCh38, chr15:44,633,551, plus strand): 5'-TTTATTCCACTTACTTCTTAAATATAAATGGGATGACAAGTGATCAAACTGATCAGATAC[A>C]GAAGATTTTGAGGATGGATTAAAAAGATTTTCCTTGCTCTTCAAAAAGAAATTTACTGTG-3'
Protein context (NP_079413.3, residues 553-573): ENLFNPSSKS[Ser563=]VSDQFDHLSS

ClinVar aggregate classification (germline): Likely benign. Review status: criteria provided, single submitter (1 of 4 stars). 2 submissions from 2 submitters: Likely benign (1). 1 of the submissions does not count toward it. Last evaluated 2025-12-12.

Conditions:
SPG11-related disorder. Also called: SPG11-related condition.
Hereditary spastic paraplegia 11. Also called: Spastic Paraplegia 11; Spastic paraplegia, mental retardation and thin corpus callosum; SPASTIC PARAPLEGIA, AUTOSOMAL RECESSIVE, COMPLICATED, WITH THIN CORPUS CALLOSUM; SPASTIC PARAPLEGIA, AUTOSOMAL RECESSIVE, WITH MENTAL IMPAIRMENT AND THIN CORPUS CALLOSUM; Nakamura Osame syndrome; Autosomal recessive hereditary spastic paraplegia, mental impairment, and thin corpus callosum. Identifiers: Orphanet 2822, MedGen C1858479, MONDO:0011445, OMIM 604360.

Allele frequency attached by ClinVar (database versions not stated): ExAC 0.00001; gnomAD 0.00001 and 0.00002; gnomAD exomes 0.00002 and 0.00003; TOPMed 0.00003.
gnomAD v4.1: 48 of 1,611,286 alleles (0.003%); highest among the groups gnomAD compares: Non-Finnish European, 0.0039%; no homozygotes.

Submissions (2):

Labcorp Genetics (formerly Invitae), Labcorp
Classification: Likely benign for Hereditary spastic paraplegia 11. Last evaluated: 2025-12-12. Review status: criteria provided, single submitter. Criteria: Invitae Variant Classification Sherloc (09022015). Collection method: clinical testing. Allele origin: germline.

PreventionGenetics, part of Exact Sciences
Classification: Likely benign for SPG11-related condition. Last evaluated: 2023-01-19. Review status: no assertion criteria provided. Collection method: clinical testing. Allele origin: germline. Not counted in ClinVar's aggregate classification.
Comment: This variant is classified as likely benign based on ACMG/AMP sequence variant interpretation guidelines (Richards et al. 2015 PMID: 25741868, with internal and published modifications).